The following is an entry in ClinVar:

NM_001042492.3(NF1):c.2525G>T (p.Gly842Val)

Gene: NF1 (neurofibromin 1; plus strand). Cytogenetic location: 17q11.2.
Variant type: single nucleotide variant.
Coding change: c.2525G>T on transcript NM_001042492.3 (MANE Select); coding-DNA position 2525, G replaced by T.
Protein change: p.Gly842Val; replaces glycine 842 with valine.
Molecular consequence: missense variant.
Genome position (GRCh38, 1-based): chr17:31,229,140, G>T. VCF-style: chr17-31229140-G-T. GRCh37 (hg19) VCF-style: chr17-29556158-G-T.
Other names: c.2525G>T, p.Gly842Val (NM_000267.4); short protein forms G842V.
Identifiers: ClinVar variation 1902492 (VCV001902492.7), dbSNP rs1597715290, ClinGen allele CA398984191.

ClinVar aggregate classification (germline): Conflicting classifications of pathogenicity. Review status: criteria provided, conflicting classifications (1 of 4 stars). 3 submissions from 3 submitters: Likely pathogenic (1); Uncertain significance (2). Last evaluated 2024-12-09.

Conditions:
Hereditary cancer-predisposing syndrome. Also called: Tumor predisposition; Neoplastic Syndromes, Hereditary; Hereditary neoplastic syndrome; Hereditary Cancer Syndrome. Identifiers: Orphanet 140162, MedGen C0027672, MeSH D009386, MONDO:0015356.
Cardiovascular phenotype. Identifiers: MedGen CN230736.
Neurofibromatosis, type 1 (NF1). Also called: Peripheral type neurofibromatosis; Neurofibromatosis, type I; VON RECKLINGHAUSEN DISEASE; NEUROFIBROMATOSIS, TYPE I, SOMATIC. Identifiers: Orphanet 636, MedGen C0027831, MONDO:0018975, OMIM 162200. Disease mechanism: loss of function.

Submissions (3):

Ambry Genetics
Classification: Uncertain significance for Cardiovascular phenotype; Hereditary cancer-predisposing syndrome. Last evaluated: 2024-12-09. Review status: criteria provided, single submitter. Criteria: Ambry Variant Classification Scheme 2023. Collection method: clinical testing. Allele origin: germline.
Comment: The p.G842V variant (also known as c.2525G>T), located in coding exon 21 of the NF1 gene, results from a G to T substitution at nucleotide position 2525. The glycine at codon 842 is replaced by valine, an amino acid with dissimilar properties. This amino acid position is conserved. In addition, this alteration is predicted to be deleterious by in silico analysis. Based on the available evidence, the clinical significance of this variant remains unclear.

Center for Personalized Medicine, Children's Hospital Los Angeles
Classification: Likely pathogenic. Last evaluated: 2022-12-21. Review status: criteria provided, single submitter. Criteria: ACMG Guidelines, 2015. Collection method: clinical testing. Allele origin: de novo. Affected: yes.

Labcorp Genetics (formerly Invitae), Labcorp
Classification: Uncertain significance for Neurofibromatosis, type 1. Last evaluated: 2022-10-21. Review status: criteria provided, single submitter. Criteria: Invitae Variant Classification Sherloc (09022015). Collection method: clinical testing. Allele origin: germline.
Comment: In summary, the available evidence is currently insufficient to determine the role of this variant in disease. Therefore, it has been classified as a Variant of Uncertain Significance. Advanced modeling of protein sequence and biophysical properties (such as structural, functional, and spatial information, amino acid conservation, physicochemical variation, residue mobility, and thermodynamic stability) performed at Invitae indicates that this missense variant is expected to disrupt NF1 protein function. This variant has not been reported in the literature in individuals affected with NF1-related conditions. This variant is not present in population databases (gnomAD no frequency). This sequence change replaces glycine, which is neutral and non-polar, with valine, which is neutral and non-polar, at codon 842 of the NF1 protein (p.Gly842Val).